The following is an entry in ClinVar:

ClinVar aggregate classification (germline): Benign (1 of 4 stars; one submission).

Allele frequency attached by ClinVar (database versions not stated): gnomAD 0.26414 and 0.27420; TOPMed 0.26510; gnomAD exomes 0.28895 and 0.36298; ExAC 0.32858; 1000 Genomes Project 30x 0.33557; 1000 Genomes Project 0.34385.

Submission:

GeneDx
Classification: Benign. Last evaluated: 2018-06-14. Review status: criteria provided, single submitter. Criteria: GeneDx Variant Classification (06012015). Collection method: clinical testing. Allele origin: germline. Affected: yes.
Comment: This variant is considered likely benign or benign based on one or more of the following criteria: it is a conservative change, it occurs at a poorly conserved position in the protein, it is predicted to be benign by multiple in silico algorithms, and/or has population frequency not consistent with disease.

NM_001195518.2(MICU1):c.653-234dup

Gene: MICU1 (mitochondrial calcium uptake 1; minus strand). Cytogenetic location: 10q22.1.
Variant type: Duplication.
Coding change: c.653-234dup on transcript NM_001195518.2 (MANE Select); 234 bases into the intron before coding-DNA position 653, one base duplicated (A; older notation c.653-234dupA).
Molecular consequence: intron variant.
Genome position (GRCh38, 1-based): chr10:72,477,490, T duplicated on the plus strand (A on the coding strand, the reverse complement: MICU1 is on the minus strand). VCF-style (leftmost placement, unchanged base first): chr10-72477489-C-CT. GRCh37 (hg19) VCF-style: chr10-74237247-C-CT.
Other names: c.659-234dup (NM_006077.4); c.671-234dup (NM_001363513.2); c.59-234dup (NM_001195519.2); c.659-234dupA (NM_006077.3).
Identifiers: ClinVar variation 667497 (VCV000667497.1), dbSNP rs35126406, ClinGen allele CA5550180.
Genomic context (GRCh38, chr10:72,477,489, plus strand): 5'-TAGGAATACTCCTTGAAACCAAAAAAGAGTAGTACTACGGCCAGTAAAGACAGCACTTGT[C>CT]TACCTTTTTGTTTCAACATGCTTTGCCTTAAATGATTTAGCTTTGCTTTCAGAGACACCA-3'